The following is an entry in ClinVar:

ClinVar aggregate classification (germline): Uncertain significance (1 of 4 stars; one submission).

Conditions:
Leber congenital amaurosis 8 (LCA8). Identifiers: Orphanet 65, MedGen C3151202, MONDO:0013453, OMIM 613835.
Retinitis pigmentosa 12 (RP12). Also called: RP WITH OR WITHOUT PRESERVED PARAARTERIOLE RETINAL PIGMENT EPITHELIUM; RETINITIS PIGMENTOSA WITH OR WITHOUT PARAARTERIOLAR PRESERVATION OF RETINAL PIGMENT EPITHELIUM; RP WITH OR WITHOUT PPRPE. Identifiers: Orphanet 791, MedGen C1838647, MONDO:0010818, OMIM 600105.

Submission:

Labcorp Genetics (formerly Invitae), Labcorp
Classification: Uncertain significance for Leber congenital amaurosis 8; Retinitis pigmentosa 12. Last evaluated: 2022-07-19. Review status: criteria provided, single submitter. Criteria: Invitae Variant Classification Sherloc (09022015). Collection method: clinical testing. Allele origin: germline.
Comment: This variant has not been reported in the literature in individuals affected with CRB1-related conditions. In summary, the available evidence is currently insufficient to determine the role of this variant in disease. Therefore, it has been classified as a Variant of Uncertain Significance. Variants that disrupt the consensus splice site are a relatively common cause of aberrant splicing (PMID: 17576681, 9536098). Algorithms developed to predict the effect of sequence changes on RNA splicing suggest that this variant may create or strengthen a splice site. This variant is not present in population databases (gnomAD no frequency). This sequence change falls in intron 8 of the CRB1 gene. It does not directly change the encoded amino acid sequence of the CRB1 protein. It affects a nucleotide within the consensus splice site.

Literature cited by the submitters: PubMed 17576681; PubMed 9536098.

NM_201253.3(CRB1):c.2843-4_2843-2del

Gene: CRB1 (crumbs cell polarity complex component 1; plus strand). Cytogenetic location: 1q31.3.
Variant type: Deletion.
Coding change: c.2843-4_2843-2del on transcript NM_201253.3 (MANE Select); 4 bases into the intron before coding-DNA position 2843 through the canonical splice acceptor site of the intron before coding-DNA position 2843, 3 bases deleted (TTA; older notation c.2843-4_2843-2delTTA).
Molecular consequence: splice acceptor variant. On other transcripts: intron variant (1).
Genome position (GRCh38, 1-based): chr1:197,434,702-197,434,704, TTA deleted; deleting any 3 consecutive bases within chr1:197,434,701-197,434,704 gives the same sequence; the c. name uses the placement nearest the transcript's 3' end. VCF-style (leftmost placement, unchanged base first): chr1-197434700-CATT-C. GRCh37 (hg19) VCF-style: chr1-197403830-CATT-C.
Other names: c.2771-4_2771-2del (NM_001257965.2); c.2129-898_2129-896del (NM_001257966.2); c.2507-4_2507-2del (NM_001193640.2).
Identifiers: ClinVar variation 2162410 (VCV002162410.4), dbSNP rs2528195263, ClinGen allele CA2580061834.